The following is an entry in ClinVar:

ClinVar aggregate classification (germline): Uncertain significance (1 of 4 stars; one submission).

Allele frequency attached by ClinVar (database versions not stated): gnomAD exomes below 0.00001.
gnomAD v4.1: 1 of 1,614,110 alleles (0.000062%); highest among the groups gnomAD compares: Non-Finnish European, 0.000085%; no homozygotes.

Submission:

Labcorp Genetics (formerly Invitae), Labcorp
Classification: Uncertain significance. Last evaluated: 2022-03-23. Review status: criteria provided, single submitter. Criteria: Invitae Variant Classification Sherloc (09022015). Collection method: clinical testing. Allele origin: germline.
Comment: In summary, the available evidence is currently insufficient to determine the role of this variant in disease. Therefore, it has been classified as a Variant of Uncertain Significance. Variants that disrupt the consensus splice site are a relatively common cause of aberrant splicing (PMID: 17576681, 9536098). Algorithms developed to predict the effect of sequence changes on RNA splicing suggest that this variant is not likely to affect RNA splicing. This variant has not been reported in the literature in individuals affected with PIGV-related conditions. This variant is not present in population databases (gnomAD no frequency). This sequence change falls in intron 2 of the PIGV gene. It does not directly change the encoded amino acid sequence of the PIGV protein. It affects a nucleotide within the consensus splice site.

Literature cited by the submitters: PubMed 17576681; PubMed 9536098.

NM_017837.4(PIGV):c.79-3C>T

Gene: PIGV (phosphatidylinositol glycan anchor biosynthesis class V; plus strand). Cytogenetic location: 1p36.11.
Variant type: single nucleotide variant.
Coding change: c.79-3C>T on transcript NM_017837.4 (MANE Select); 3 bases into the intron before coding-DNA position 79, C replaced by T.
Molecular consequence: intron variant.
Genome position (GRCh38, 1-based): chr1:26,794,110, C>T. VCF-style: chr1-26794110-C-T. GRCh37 (hg19) VCF-style: chr1-27120601-C-T.
Other names: c.79-3C>T (NM_001374478.1, NM_001374480.1, NM_001374481.1 and 4 more transcripts); c.-303-3C>T (NM_001374483.1); c.78+3217C>T (NM_001374486.1).
Identifiers: ClinVar variation 2104678 (VCV002104678.4), dbSNP rs113841443, ClinGen allele CA19833085.
Genomic context (GRCh38, chr1:26,794,110, plus strand): 5'-TTAAATGGCAATTCTTTTCTTCCAGTTACTCAACCAAAATTCTGGTTTTTCTTTACTCCA[C>T]AGGCCCTCTTCAATGCCATCATCCCAGATCACCATGCAGAAGCCTTCTCTCCTCCTCGCC-3'